The following is an entry in ClinVar:

ClinVar aggregate classification (germline): Uncertain significance (1 of 4 stars; one submission).

Conditions:
Hereditary pancreatitis (PCTT). Also called: Hereditary chronic pancreatitis; PRSS1-Related Hereditary Pancreatitis. Identifiers: Orphanet 676, MedGen C0238339, MONDO:0008185, OMIM 167800.

Submission:

Ambry Genetics
Classification: Uncertain significance for Hereditary pancreatitis. Last evaluated: 2021-12-01. Review status: criteria provided, single submitter. Criteria: Ambry Variant Classification Scheme 2023. Collection method: clinical testing. Allele origin: germline.
Comment: The p.G19D variant (also known as c.56G>A) is located in coding exon 2 of the SPINK1 gene. The glycine at codon 19 is replaced by aspartic acid, an amino acid with similar properties. This change occurs in the first base pair of coding exon 2. This amino acid position is conserved. In addition, this alteration is predicted to be tolerated by in silico analysis. Since supporting evidence is limited at this time, the clinical significance of this alteration remains unclear.

NM_001379610.1(SPINK1):c.56G>A (p.Gly19Asp)

Gene: SPINK1 (serine peptidase inhibitor Kazal type 1; minus strand). Cytogenetic location: 5q32.
Variant type: single nucleotide variant.
Coding change: c.56G>A on transcript NM_001379610.1 (MANE Select); coding-DNA position 56, G replaced by A.
Protein change: p.Gly19Asp; replaces glycine 19 with aspartic acid.
Molecular consequence: missense variant.
Genome position (GRCh38, 1-based): chr5:147,829,630, C>T on the plus strand (G>A on the coding strand, the complement: SPINK1 is on the minus strand). VCF-style: chr5-147829630-C-T. GRCh37 (hg19) VCF-style: chr5-147209193-C-T.
Other names: c.56G>A, p.Gly19Asp (NM_001354966.2, NM_003122.5); short protein forms G19D.
Identifiers: ClinVar variation 1749157 (VCV001749157.2), dbSNP rs1411503462, ClinGen allele CA361885469.